The following is an entry in ClinVar:

ClinVar aggregate classification (germline): Conflicting classifications of pathogenicity. Review status: criteria provided, conflicting classifications (1 of 4 stars). 2 submissions from 2 submitters: Uncertain significance (1); Likely benign (1). Last evaluated 2025-11-14.

Conditions:
Inborn genetic diseases. Identifiers: MedGen C0950123, MeSH D030342.
Neurodevelopmental disorder with or without hyperkinetic movements and seizures, autosomal dominant. Also called: Intellectual disability, autosomal dominant 8. Identifiers: MedGen C3280282, MONDO:0013655, OMIM 614254.

Submissions (2):

Ambry Genetics
Classification: Uncertain significance for Inborn genetic diseases. Last evaluated: 2025-11-14. Review status: criteria provided, single submitter. Criteria: Ambry Variant Classification Scheme 2023. Collection method: clinical testing. Allele origin: germline.
Comment: The c.802G>A (p.G268R) alteration is located in exon 6 (coding exon 6) of the GRIN1 gene. This alteration results from a G to A substitution at nucleotide position 802, causing the glycine (G) at amino acid position 268 to be replaced by an arginine (R). This variant was not reported in population-based cohorts in the Genome Aggregation Database (gnomAD). This amino acid position is highly conserved in available vertebrate species. This amino acid alteration is predicted to be deleterious by in silico analysis. In silico splice site analysis predicts that this nucleotide alteration will result in the creation or strengthening of a novel splice acceptor site. Based on insufficient or conflicting evidence, the clinical significance of this alteration remains unclear.

Labcorp Genetics (formerly Invitae), Labcorp
Classification: Likely benign for Neurodevelopmental disorder with or without hyperkinetic movements and seizures, autosomal dominant. Last evaluated: 2020-01-24. Review status: criteria provided, single submitter. Criteria: Invitae Variant Classification Sherloc (09022015). Collection method: clinical testing. Allele origin: germline.

NM_007327.4(GRIN1):c.802G>A (p.Gly268Arg)

Gene: GRIN1 (glutamate ionotropic receptor NMDA type subunit 1; plus strand). Cytogenetic location: 9q34.3.
Variant type: single nucleotide variant.
Coding change: c.802G>A on transcript NM_007327.4 (MANE Select); coding-DNA position 802, G replaced by A.
Protein change: p.Gly268Arg; replaces glycine 268 with arginine.
Molecular consequence: missense variant.
Genome position (GRCh38, 1-based): chr9:137,156,871, G>A. VCF-style: chr9-137156871-G-A. GRCh37 (hg19) VCF-style: chr9-140051323-G-A.
Other names: c.802G>A, p.Gly268Arg (NM_000832.7, NM_021569.4); c.865G>A, p.Gly289Arg (NM_001185090.2, NM_001185091.2); short protein forms G268R, G289R.
Identifiers: ClinVar variation 833951 (VCV000833951.11), dbSNP rs755924944, ClinGen allele CA375714902.